The following is an entry in ClinVar:

NM_173076.3(ABCA12):c.3908_3911dup (p.Lys1304fs)

Gene: ABCA12 (ATP binding cassette subfamily A member 12; minus strand). Cytogenetic location: 2q35.
Variant type: Duplication.
Coding change: c.3908_3911dup on transcript NM_173076.3 (MANE Select); coding-DNA positions 3908 to 3911, 4 bases duplicated (TGAA; older notation c.3908_3911dupTGAA).
Protein change: p.Lys1304fs; shifts the reading frame from lysine 1304.
Molecular consequence: frameshift variant. On other transcripts: non-coding transcript variant (1).
Genome position (GRCh38, 1-based): chr2:214,987,712-214,987,715, TTCA duplicated on the plus strand (TGAA on the coding strand, the reverse complement: ABCA12 is on the minus strand). VCF-style (leftmost placement, unchanged base first): chr2-214987711-C-CTTCA. GRCh37 (hg19) VCF-style: chr2-215852435-C-CTTCA.
Other names: c.2954_2957dup, p.Lys986fs (NM_015657.4); short protein forms K1304fs, K986fs.
Identifiers: ClinVar variation 2727250 (VCV002727250.3), dbSNP rs2469248532, ClinGen allele CA2697550400.

ClinVar aggregate classification (germline): Pathogenic (1 of 4 stars; one submission).

Submission:

Labcorp Genetics (formerly Invitae), Labcorp
Classification: Pathogenic. Last evaluated: 2023-05-26. Review status: criteria provided, single submitter. Criteria: Invitae Variant Classification Sherloc (09022015). Collection method: clinical testing. Allele origin: germline.
Comment: This variant has not been reported in the literature in individuals affected with ABCA12-related conditions. This variant is not present in population databases (gnomAD no frequency). This sequence change creates a premature translational stop signal (p.Lys1304Asnfs*4) in the ABCA12 gene. It is expected to result in an absent or disrupted protein product. Loss-of-function variants in ABCA12 are known to be pathogenic (PMID: 20672373). For these reasons, this variant has been classified as Pathogenic.

Literature cited by the submitters: PubMed 20672373.